The following is an entry in ClinVar:

NM_152564.5(VPS13B):c.4082C>G (p.Ser1361Cys)

Gene: VPS13B (vacuolar protein sorting 13 homolog B; plus strand). Cytogenetic location: 8q22.2.
Variant type: single nucleotide variant.
Coding change: c.4082C>G on transcript NM_152564.5 (MANE Select); coding-DNA position 4082, C replaced by G.
Protein change: p.Ser1361Cys; replaces serine 1361 with cysteine.
Molecular consequence: missense variant.
Genome position (GRCh38, 1-based): chr8:99,502,875, C>G. VCF-style: chr8-99502875-C-G. GRCh37 (hg19) VCF-style: chr8-100515103-C-G.
Other names: c.4082C>G, p.Ser1361Cys (NM_017890.5); short protein forms S1361C.
Identifiers: ClinVar variation 3682080 (VCV003682080.2).

ClinVar aggregate classification (germline): Uncertain significance (1 of 4 stars; one submission).

Conditions:
Cohen syndrome (COH1). Also called: Cutis verticis gyrata, retinitis pigmentosa, and sensorineural deafness; PEPPER SYNDROME. Identifiers: Orphanet 193, MedGen C0265223, MONDO:0008999, OMIM 216550.

gnomAD v4.1: 1 of 1,613,460 alleles (0.000062%); highest among the groups gnomAD compares: South Asian, 0.0011%; no homozygotes.

Submission:

Labcorp Genetics (formerly Invitae), Labcorp
Classification: Uncertain significance for Cohen syndrome. Last evaluated: 2024-04-02. Review status: criteria provided, single submitter. Criteria: Invitae Variant Classification Sherloc (09022015). Collection method: clinical testing. Allele origin: germline.
Comment: This sequence change replaces serine, which is neutral and polar, with cysteine, which is neutral and slightly polar, at codon 1361 of the VPS13B protein (p.Ser1361Cys). This variant is present in population databases (rs780680613, gnomAD 0.003%). This variant has not been reported in the literature in individuals affected with VPS13B-related conditions. Advanced modeling of protein sequence and biophysical properties (such as structural, functional, and spatial information, amino acid conservation, physicochemical variation, residue mobility, and thermodynamic stability) performed at Invitae indicates that this missense variant is expected to disrupt VPS13B protein function with a positive predictive value of 80%. In summary, the available evidence is currently insufficient to determine the role of this variant in disease. Therefore, it has been classified as a Variant of Uncertain Significance.